The following is an entry in ClinVar:

NM_018648.4(NOP10):c.6del (p.Leu3fs)

Gene: NOP10 (NOP10 ribonucleoprotein; minus strand). Cytogenetic location: 15q14.
Variant type: Deletion.
Coding change: c.6del on transcript NM_018648.4 (MANE Select); coding-DNA position 6, one base deleted (T; older notation c.6delT).
Protein change: p.Leu3fs; shifts the reading frame from leucine 3.
Molecular consequence: frameshift variant.
Genome position (GRCh38, 1-based): chr15:34,343,068, A deleted on the plus strand (T on the coding strand, the reverse complement: NOP10 is on the minus strand); the first of 3 consecutive A bases (chr15:34,343,068-34,343,070); deleting any one gives the same sequence. VCF-style (leftmost placement, unchanged base first): chr15-34343067-GA-G. GRCh37 (hg19) VCF-style: chr15-34635268-GA-G.
Other names: short protein forms L3fs.
Identifiers: ClinVar variation 315639 (VCV000315639.9), dbSNP rs756134994, ClinGen allele CA7464822.

ClinVar aggregate classification (germline): Uncertain significance (1 of 4 stars; one submission).

Conditions:
Dyskeratosis congenita, autosomal recessive 1. Identifiers: Orphanet 1775, MedGen C1857144, MONDO:0009136, OMIM 224230.

Submission:

Labcorp Genetics (formerly Invitae), Labcorp
Classification: Uncertain significance for Dyskeratosis congenita, autosomal recessive 1. Last evaluated: 2025-01-08. Review status: criteria provided, single submitter. Criteria: Invitae Variant Classification Sherloc (09022015). Collection method: clinical testing. Allele origin: germline.
Comment: This sequence change creates a premature translational stop signal (p.Leu3Serfs*15) in the NOP10 gene. While this is not anticipated to result in nonsense mediated decay, it is expected to disrupt the last 62 amino acid(s) of the NOP10 protein. This variant is present in population databases (rs756134994, gnomAD 0.004%). This variant has not been reported in the literature in individuals affected with NOP10-related conditions. ClinVar contains an entry for this variant (Variation ID: 315639). In summary, the available evidence is currently insufficient to determine the role of this variant in disease. Therefore, it has been classified as a Variant of Uncertain Significance.